The following is an entry in ClinVar:

NM_014171.6(CRIPT):c.138-5del

Gene: CRIPT (CXXC repeat containing interactor of PDZ3 domain; plus strand). Cytogenetic location: 2p21.
Variant type: Deletion.
Coding change: c.138-5del on transcript NM_014171.6 (MANE Select); 5 bases into the intron before coding-DNA position 138, one base deleted (T; older notation c.138-5delT).
Molecular consequence: intron variant.
Genome position (GRCh38, 1-based): chr2:46,623,759, T deleted; the last of 3 consecutive T bases (chr2:46,623,757-46,623,759); deleting any one gives the same sequence. VCF-style (leftmost placement, unchanged base first): chr2-46623756-AT-A. GRCh37 (hg19) VCF-style: chr2-46850895-AT-A.
Other names: c.138-5del (NM_014171.5).
Identifiers: ClinVar variation 775712 (VCV000775712.13), dbSNP rs60552651, ClinGen allele CA1646326.

ClinVar aggregate classification (germline): Benign. Review status: criteria provided, multiple submitters, no conflicts (2 of 4 stars). 3 submissions from 3 submitters: Benign (2). 1 of the submissions does not count toward it. Last evaluated 2026-01-14.

Conditions:
CRIPT-related disorder. Also called: CRIPT-related condition.

Submissions (3):

Labcorp Genetics (formerly Invitae), Labcorp
Classification: Benign. Last evaluated: 2026-01-14. Review status: criteria provided, single submitter. Criteria: Invitae Variant Classification Sherloc (09022015). Collection method: clinical testing. Allele origin: germline.

Genetic Services Laboratory, University of Chicago
Classification: Benign. Last evaluated: 2018-07-16. Review status: criteria provided, single submitter. Criteria: ACMG Guidelines, 2015. Collection method: clinical testing. Allele origin: germline. Affected: no.

PreventionGenetics, part of Exact Sciences
Classification: Benign for CRIPT-related condition. Last evaluated: 2024-08-20. Review status: no assertion criteria provided. Collection method: clinical testing. Allele origin: germline. Not counted in ClinVar's aggregate classification.
Comment: This variant is classified as benign based on ACMG/AMP sequence variant interpretation guidelines (Richards et al. 2015 PMID: 25741868, with internal and published modifications).